The following is an entry in ClinVar:

ClinVar aggregate classification (germline): Uncertain significance (1 of 4 stars; one submission).

Conditions:
Woodhouse-Sakati syndrome. Also called: EXTRAPYRAMIDAL DISORDER, PROGRESSIVE, WITH PRIMARY HYPOGONADISM, MENTAL RETARDATION, AND ALOPECIA; Hypogonadism, Alopecia, Diabetes Mellitus, Mental Retardation, and Extrapyramidal Syndrome; Hypogonadism, diabetes mellitus, alopecia, mental retardation and electrocardiographic abnormalities. Identifiers: Orphanet 3464, MedGen C0342286, MONDO:0009419, OMIM 241080.

Allele frequency attached by ClinVar (database versions not stated): TOPMed 0.00001; ExAC 0.00002; gnomAD 0.00002; gnomAD exomes 0.00002.
gnomAD v4.1: 27 of 1,613,698 alleles (0.0017%); highest among the groups gnomAD compares: Admixed American, 0.005%; no homozygotes.

Submission:

Labcorp Genetics (formerly Invitae), Labcorp
Classification: Uncertain significance for Woodhouse-Sakati syndrome. Last evaluated: 2022-05-13. Review status: criteria provided, single submitter. Criteria: Invitae Variant Classification Sherloc (09022015). Collection method: clinical testing. Allele origin: germline.
Comment: This sequence change replaces threonine, which is neutral and polar, with proline, which is neutral and non-polar, at codon 509 of the DCAF17 protein (p.Thr509Pro). This variant is present in population databases (rs746838445, gnomAD 0.01%). This variant has not been reported in the literature in individuals affected with DCAF17-related conditions. Algorithms developed to predict the effect of missense changes on protein structure and function output the following: SIFT: "Tolerated"; PolyPhen-2: "Benign"; Align-GVGD: "Class C0". The proline amino acid residue is found in multiple mammalian species, which suggests that this missense change does not adversely affect protein function. In summary, the available evidence is currently insufficient to determine the role of this variant in disease. Therefore, it has been classified as a Variant of Uncertain Significance.

NM_025000.4(DCAF17):c.1525A>C (p.Thr509Pro)

Gene: DCAF17 (DDB1 and CUL4 associated factor 17; plus strand). Cytogenetic location: 2q31.1.
Variant type: single nucleotide variant.
Coding change: c.1525A>C on transcript NM_025000.4 (MANE Select); coding-DNA position 1525, A replaced by C.
Protein change: p.Thr509Pro; replaces threonine 509 with proline.
Molecular consequence: missense variant. On other transcripts: non-coding transcript variant (1).
Genome position (GRCh38, 1-based): chr2:171,481,076, A>C. VCF-style: chr2-171481076-A-C. GRCh37 (hg19) VCF-style: chr2-172337586-A-C.
Other names: c.1324A>C, p.Thr442Pro (NM_001164821.2); short protein forms T509P, T442P.
Identifiers: ClinVar variation 2146361 (VCV002146361.1), dbSNP rs746838445, ClinGen allele CA1964990.
Genomic context (GRCh38, chr2:171,481,076, plus strand): 5'-CACATAGAGCAGAAACCCAACAGAGTCTTCAGCTGCTATGTTTACCAGATGATATGTGAC[A>C]CTGGGGAAGAAGAAGAAACCATAAACAGAAGCTGTTAAAAAGAGTGAGATAATTGTAACC-3'
Protein context (NP_079276.2, residues 499-519): SCYVYQMICD[Thr509Pro]GEEEETINRS